The following is an entry in ClinVar:

NM_020297.4(ABCC9):c.1213A>G (p.Met405Val)

Gene: ABCC9 (ATP binding cassette subfamily C member 9; minus strand). Cytogenetic location: 12p12.1.
Variant type: single nucleotide variant.
Coding change: c.1213A>G on transcript NM_020297.4 (MANE Select); coding-DNA position 1213, A replaced by G.
Protein change: p.Met405Val; replaces methionine 405 with valine.
Molecular consequence: missense variant.
Genome position (GRCh38, 1-based): chr12:21,910,264, T>C on the plus strand (A>G on the coding strand, the complement: ABCC9 is on the minus strand). VCF-style: chr12-21910264-T-C. GRCh37 (hg19) VCF-style: chr12-22063198-T-C.
Other names: c.1213A>G, p.Met405Val (NM_001377273.1, NM_005691.4); c.349A>G, p.Met117Val (NM_001377274.1); short protein forms M117V, M405V.
Identifiers: ClinVar variation 2625276 (VCV002625276.2), dbSNP rs142038412, ClinGen allele CA233608967.

ClinVar aggregate classification (germline): Uncertain significance (1 of 4 stars; one submission).

Conditions:
Cardiovascular phenotype. Identifiers: MedGen CN230736.

Allele frequency attached by ClinVar (database versions not stated): gnomAD exomes below 0.00001; gnomAD 0.00001; TOPMed 0.00001; ESP Exome Variant Server 0.00008.
gnomAD v4.1: 2 of 1,608,772 alleles (0.00012%); highest among the groups gnomAD compares: African/African-American, 0.0014%; no homozygotes.

Submission:

Ambry Genetics
Classification: Uncertain significance for Cardiovascular phenotype. Last evaluated: 2023-08-25. Review status: criteria provided, single submitter. Criteria: Ambry Variant Classification Scheme 2023. Collection method: clinical testing. Allele origin: germline.
Comment: The p.M405V variant (also known as c.1213A>G), located in coding exon 8 of the ABCC9 gene, results from an A to G substitution at nucleotide position 1213. The methionine at codon 405 is replaced by valine, an amino acid with highly similar properties. This amino acid position is highly conserved in available vertebrate species. In addition, the in silico prediction for this alteration is inconclusive. Since supporting evidence is limited at this time, the clinical significance of this alteration remains unclear.